The following is an entry in ClinVar:

NM_001999.4(FBN2):c.3039C>G (p.Ile1013Met)

Genes: FBN2 (fibrillin 2; minus strand), LOC126807501 (BRD4-independent group 4 enhancer GRCh37_chr5:127680731-127681930; plus strand). Cytogenetic location: 5q23.3.
Variant type: single nucleotide variant.
Coding change: c.3039C>G on transcript NM_001999.4 (MANE Select); coding-DNA position 3039, C replaced by G.
Protein change: p.Ile1013Met; replaces isoleucine 1013 with methionine.
Molecular consequence: missense variant.
Genome position (GRCh38, 1-based): chr5:128,345,535, G>C on the plus strand (C>G on the coding strand, the complement: FBN2 is on the minus strand). VCF-style: chr5-128345535-G-C. GRCh37 (hg19) VCF-style: chr5-127681227-G-C.
Other names: short protein forms I1013M.
Identifiers: ClinVar variation 519857 (VCV000519857.16), dbSNP rs1388119592, ClinGen allele CA360764193.

ClinVar aggregate classification (germline): Conflicting classifications of pathogenicity. Review status: criteria provided, conflicting classifications (1 of 4 stars). 4 submissions from 4 submitters: Uncertain significance (3); Likely benign (1). Last evaluated 2026-04-21.

Conditions:
Congenital contractural arachnodactyly (CCA). Also called: BEALS SYNDROME; Beals-Hecht syndrome; Arthrogryposis, distal, type 9. Identifiers: Orphanet 115, MedGen C0220668, MONDO:0007363, OMIM 121050.
Familial thoracic aortic aneurysm and aortic dissection (TAAD). Also called: Thoracic aortic aneurysms and dissections. Identifiers: Orphanet 91387, MedGen C4707243, MONDO:0019625.
FBN2-related disorder. Also called: FBN2-related condition.

Allele frequency attached by ClinVar (database versions not stated): TOPMed below 0.00001.

Submissions (4):

PreventionGenetics, part of Exact Sciences
Classification: Uncertain significance for FBN2-related condition. Last evaluated: 2026-04-21. Review status: criteria provided, single submitter. Criteria: ACMG Guidelines, 2015. Collection method: clinical testing. Allele origin: germline.
Comment: The FBN2 c.3039C>G variant is predicted to result in the amino acid substitution p.Ile1013Met. To our knowledge, this variant has not been reported in the literature or in a large population database (gnomAD), indicating this variant is rare. At this time, the clinical significance of this variant is uncertain due to the absence of conclusive functional and genetic evidence.

Labcorp Genetics (formerly Invitae), Labcorp
Classification: Uncertain significance for Congenital contractural arachnodactyly. Last evaluated: 2020-01-31. Review status: criteria provided, single submitter. Criteria: Invitae Variant Classification Sherloc (09022015). Collection method: clinical testing. Allele origin: germline.
Comment: This variant has not been reported in the literature in individuals with FBN2-related conditions. ClinVar contains an entry for this variant (Variation ID: 519857). This variant is not present in population databases (ExAC no frequency). This sequence change replaces isoleucine with methionine at codon 1013 of the FBN2 protein (p.Ile1013Met). The isoleucine residue is moderately conserved and there is a small physicochemical difference between isoleucine and methionine. Algorithms developed to predict the effect of missense changes on protein structure and function are either unavailable or do not agree on the potential impact of this missense change (SIFT: "Deleterious"; PolyPhen-2: "Benign"; Align-GVGD: "Class C0"). In summary, the available evidence is currently insufficient to determine the role of this variant in disease. Therefore, it has been classified as a Variant of Uncertain Significance.

Blueprint Genetics
Classification: Likely benign. Last evaluated: 2019-04-03. Review status: criteria provided, single submitter. Criteria: ACMG Guidelines, 2015. Collection method: clinical testing. Allele origin: germline.

Ambry Genetics
Classification: Uncertain significance for Familial thoracic aortic aneurysm and aortic dissection. Last evaluated: 2017-05-26. Review status: criteria provided, single submitter. Criteria: Ambry Variant Classification Scheme 2023. Collection method: clinical testing. Allele origin: germline.
Comment: The p.I1013M variant (also known as c.3039C>G), located in coding exon 24 of the FBN2 gene, results from a C to G substitution at nucleotide position 3039. The isoleucine at codon 1013 is replaced by methionine, an amino acid with highly similar properties. This amino acid position is poorly conserved in available vertebrate species. In addition, this alteration is predicted to be tolerated by in silico analysis. Since supporting evidence is limited at this time, the clinical significance of this alteration remains unclear.